The following is an entry in ClinVar:

NM_144585.4(SLC22A12):c.*268G>A

Gene: SLC22A12 (solute carrier family 22 member 12; plus strand). Cytogenetic location: 11q13.1.
Variant type: single nucleotide variant.
Coding change: c.*268G>A on transcript NM_144585.4 (MANE Select); 268 bases downstream of the stop codon, G replaced by A.
Molecular consequence: 3 prime UTR variant.
Genome position (GRCh38, 1-based): chr11:64,601,819, G>A. VCF-style: chr11-64601819-G-A. GRCh37 (hg19) VCF-style: chr11-64369291-G-A.
Other names: c.*268G>A (NM_001276326.2, NM_001276327.2, NM_153378.3).
Identifiers: ClinVar variation 877315 (VCV000877315.4), dbSNP rs148845071, ClinGen allele CA223873591.

ClinVar aggregate classification (germline): Benign (1 of 4 stars; one submission).

Conditions:
Dalmatian hypouricemia (RHUC1). Identifiers: MedGen C0473219, MONDO:0020728, OMIM 220150.

Allele frequency attached by ClinVar (database versions not stated): gnomAD 0.00052 and 0.00070; TOPMed 0.00087; gnomAD exomes 0.00118; 1000 Genomes Project 0.00379; 1000 Genomes Project 30x 0.00390.
gnomAD v4.1: 459 of 458,896 alleles (0.1%); highest among the groups gnomAD compares: East Asian, 1.9%; 5 homozygotes.

Submission:

Illumina Laboratory Services, Illumina
Classification: Benign for Dalmatian hypouricemia. Last evaluated: 2017-04-27. Review status: criteria provided, single submitter. Criteria: ICSL Variant Classification Criteria 13 December 2019. Collection method: clinical testing. Allele origin: germline.
Comment: This variant was observed as part of a predisposition screen in an ostensibly healthy population. A literature search was performed for the gene, cDNA change, and amino acid change (where applicable). Publications were found based on this search. The evidence from the literature, in combination with allele frequency data from public databases where available, was sufficient to rule this variant out of causing disease. Therefore, this variant is classified as benign.

Literature cited by the submitters: PubMed 26603249.